The following is an entry in ClinVar:

NM_018834.6(MATR3):c.-178+229C>G

Gene: MATR3 (matrin 3; plus strand). Cytogenetic location: 5q31.2.
Variant type: single nucleotide variant.
Coding change: c.-178+229C>G on transcript NM_018834.6 (MANE Select); 229 bases into the intron after 178 bases upstream of the start codon, C replaced by G.
Molecular consequence: intron variant. On other transcripts: 5 prime UTR variant (5).
Genome position (GRCh38, 1-based): chr5:139,294,034, C>G. VCF-style: chr5-139294034-C-G. GRCh37 (hg19) VCF-style: chr5-138629723-C-G.
Other names: c.-1141C>G (NM_001400445.1); c.-760C>G (NM_001400457.1); c.-764C>G (NM_001400458.1); c.-1066C>G (NM_001400466.1); c.-1004C>G (NM_001400467.1); c.-178+459C>G (NM_001400451.1, NM_001400455.1, NM_001400452.1 and 3 more transcripts); c.-177-13205C>G (NM_001400450.1, NM_001400441.1, NM_001400454.1 and 5 more transcripts); c.51+13976C>G (NM_001400459.1); and 7 more.
Identifiers: ClinVar variation 3347203 (VCV003347203.1).

ClinVar aggregate classification (germline): Likely benign (0 of 4 stars; one submission).

Conditions:
MATR3-related disorder. Also called: MATR3-related condition.

gnomAD v4.1: 26 of 1,248,622 alleles (0.0021%); highest among the groups gnomAD compares: African/African-American, 0.0046%; no homozygotes.

Submission:

PreventionGenetics, part of Exact Sciences
Classification: Likely benign for MATR3-related condition. Last evaluated: 2023-03-16. Review status: no assertion criteria provided. Collection method: clinical testing. Allele origin: germline.
Comment: This variant is classified as likely benign based on ACMG/AMP sequence variant interpretation guidelines (Richards et al. 2015 PMID: 25741868, with internal and published modifications).